The following is an entry in ClinVar:

NM_001347721.2(DYRK1A):c.1127T>C (p.Leu376Pro)

Gene: DYRK1A (dual specificity tyrosine phosphorylation regulated kinase 1A; plus strand). Cytogenetic location: 21q22.13.
Variant type: single nucleotide variant.
Coding change: c.1127T>C on transcript NM_001347721.2 (MANE Select); coding-DNA position 1127, T replaced by C.
Protein change: p.Leu376Pro; replaces leucine 376 with proline.
Molecular consequence: missense variant.
Genome position (GRCh38, 1-based): chr21:37,496,173, T>C. VCF-style: chr21-37496173-T-C. GRCh37 (hg19) VCF-style: chr21-38868475-T-C.
Other names: c.1127T>C, p.Leu376Pro (NM_001347722.2, NM_130436.2); c.1040T>C, p.Leu347Pro (NM_001347723.2); c.1154T>C, p.Leu385Pro (NM_001396.5, NM_101395.2, NM_130438.2); short protein forms L347P, L376P, L385P.
Identifiers: ClinVar variation 1042906 (VCV001042906.9), dbSNP rs1486953271, ClinGen allele CA409936888.

ClinVar aggregate classification (germline): Uncertain significance (1 of 4 stars; one submission).

Conditions:
DYRK1A-related intellectual disability syndrome (MRD7). Also called: DYRK1A Syndrome; Intellectual developmental disorder, autosomal dominant 7. Identifiers: Orphanet 464306, MedGen C5568143, MONDO:0013578, OMIM 614104.

Allele frequency attached by ClinVar (database versions not stated): gnomAD exomes below 0.00001.

Submission:

Labcorp Genetics (formerly Invitae), Labcorp
Classification: Uncertain significance for DYRK1A-related intellectual disability syndrome. Last evaluated: 2024-10-25. Review status: criteria provided, single submitter. Criteria: Invitae Variant Classification Sherloc (09022015). Collection method: clinical testing. Allele origin: germline.
Comment: This sequence change replaces leucine, which is neutral and non-polar, with proline, which is neutral and non-polar, at codon 385 of the DYRK1A protein (p.Leu385Pro). This variant is present in population databases (no rsID available, gnomAD 0.006%). This variant has not been reported in the literature in individuals affected with DYRK1A-related conditions. ClinVar contains an entry for this variant (Variation ID: 1042906). Invitae Evidence Modeling of protein sequence and biophysical properties (such as structural, functional, and spatial information, amino acid conservation, physicochemical variation, residue mobility, and thermodynamic stability) indicates that this missense variant is expected to disrupt DYRK1A protein function with a positive predictive value of 80%. In summary, the available evidence is currently insufficient to determine the role of this variant in disease. Therefore, it has been classified as a Variant of Uncertain Significance.